The following is an entry in ClinVar:

ClinVar aggregate classification (germline): Uncertain significance (1 of 4 stars; one submission).

Conditions:
Familial hemiplegic migraine. Identifiers: MedGen C0338484, MONDO:0000700.

Allele frequency attached by ClinVar (database versions not stated): gnomAD exomes below 0.00001.
gnomAD v4.1: 1 of 1,613,068 alleles (0.000062%); highest among the groups gnomAD compares: South Asian, 0.0011%; no homozygotes.

Submission:

Labcorp Genetics (formerly Invitae), Labcorp
Classification: Uncertain significance for Familial hemiplegic migraine. Last evaluated: 2023-08-04. Review status: criteria provided, single submitter. Criteria: Invitae Variant Classification Sherloc (09022015). Collection method: clinical testing. Allele origin: germline.
Comment: This sequence change falls in intron 4 of the ATP1A2 gene. It does not directly change the encoded amino acid sequence of the ATP1A2 protein. In summary, the available evidence is currently insufficient to determine the role of this variant in disease. Therefore, it has been classified as a Variant of Uncertain Significance. Algorithms developed to predict the effect of sequence changes on RNA splicing suggest that this variant may create or strengthen a splice site. This variant has not been reported in the literature in individuals affected with ATP1A2-related conditions. This variant is present in population databases (no rsID available, gnomAD 0.01%).

NM_000702.4(ATP1A2):c.382-20A>G

Gene: ATP1A2 (ATPase Na+/K+ transporting subunit alpha 2; plus strand). Cytogenetic location: 1q23.2.
Variant type: single nucleotide variant.
Coding change: c.382-20A>G on transcript NM_000702.4 (MANE Select); 20 bases into the intron before coding-DNA position 382, A replaced by G.
Molecular consequence: intron variant.
Genome position (GRCh38, 1-based): chr1:160,123,923, A>G. VCF-style: chr1-160123923-A-G. GRCh37 (hg19) VCF-style: chr1-160093713-A-G.
Identifiers: ClinVar variation 2854751 (VCV002854751.3), dbSNP rs1405104499, ClinGen allele CA526678290.